The following is an entry in ClinVar:

NM_000277.3(PAH):c.694C>T (p.Gln232Ter)

Gene: PAH (phenylalanine hydroxylase; minus strand). Cytogenetic location: 12q23.2.
Variant type: single nucleotide variant.
Coding change: c.694C>T on transcript NM_000277.3 (MANE Select); coding-DNA position 694, C replaced by T.
Protein change: p.Gln232Ter; replaces glutamine 232 with a stop codon.
Molecular consequence: nonsense.
Genome position (GRCh38, 1-based): chr12:102,855,148, G>A on the plus strand (C>T on the coding strand, the complement: PAH is on the minus strand). VCF-style: chr12-102855148-G-A. GRCh37 (hg19) VCF-style: chr12-103248926-G-A.
Other names: c.694C>T, p.Gln232Ter (NM_001354304.2); short protein forms Q232*.
Identifiers: ClinVar variation 102788 (VCV000102788.16), dbSNP rs62507348, ClinGen allele CA229696.
Genomic context (GRCh38, chr12:102,855,148, plus strand): 5'-ATCCTCCCCCAACTTTCTGCAGGGCCATTGACCCTGATGTGGACTTACTCTGCAGGAACT[G>A]AGAAACGTCTTCCAGCTGGGGAATGTTATCTTCATGGAAGCCACAGTACTTTTCAAGAAG-3'

ClinVar aggregate classification (germline): Pathogenic. Review status: reviewed by expert panel (3 of 4 stars). 6 submissions from 6 submitters: Pathogenic (1). 5 of the submissions do not count toward it. Last evaluated 2020-05-31.

Conditions:
Phenylketonuria (PKU). Also called: Phenylketonuria (PKU); FOLLING DISEASE; OLIGOPHRENIA PHENYLPYRUVICA; Phenylketonurias. Identifiers: Orphanet 716, MedGen C0031485, MONDO:0009861, OMIM 261600. Disease mechanism: loss of function.

Allele frequency attached by ClinVar (database versions not stated): gnomAD exomes below 0.00001; gnomAD 0.00001; ESP Exome Variant Server 0.00015; ExAC 0.00001; TOPMed 0.00002.

Submissions (6):

ClinGen PAH Variant Curation Expert Panel
Classification: Pathogenic for Phenylketonuria. Last evaluated: 2020-05-31. Review status: reviewed by expert panel. Criteria: ClinGen PAH ACMG Specifications v1. Collection method: curation. Allele origin: germline. Inheritance: Autosomal recessive inheritance.
Comment: The c.694C>T (p.Gln232Ter) variant in PAH has been reported in multiple individuals with PKU (PP4; PMID: 30050108). This variant has an extremely low allele frequency (MAF=0.00003; PM2). This variant was detected with known pathogenic variant c.442-1G>A (PM3; PMID: 30050108). This is a null variant (nonsense) in exon 6 of 13 (NMD predicted) of PAH, a gene where loss of function is a known mechanism of disease (PVS1). In summary, this variant meets criteria to be classified as pathogenic for PAH. PAH-specific ACMG/AMP criteria applied: PVS1, PM2, PM3, PP4.

Labcorp Genetics (formerly Invitae), Labcorp
Classification: Pathogenic for Phenylketonuria. Last evaluated: 2025-12-15. Review status: criteria provided, single submitter. Criteria: Invitae Variant Classification Sherloc (09022015). Collection method: clinical testing. Allele origin: germline. Not counted in ClinVar's aggregate classification.
Comment: This sequence change creates a premature translational stop signal (p.Gln232*) in the PAH gene. It is expected to result in an absent or disrupted protein product. Loss-of-function variants in PAH are known to be pathogenic (PMID: 1301187, 9634518). This variant is present in population databases (rs62507348, gnomAD 0.007%). This premature translational stop signal has been observed in individual(s) with PAH-related conditions (PMID: 16256386, 23932990, 25087612, 26600521, 27264808, 29390883). In at least one individual the data is consistent with being in trans (on the opposite chromosome) from a pathogenic variant. ClinVar contains an entry for this variant (Variation ID: 102788). For these reasons, this variant has been classified as Pathogenic.

Quest Diagnostics Nichols Institute San Juan Capistrano
Classification: Pathogenic. Last evaluated: 2017-05-19. Review status: criteria provided, single submitter. Criteria: Quest Diagnostics criteria. Collection method: clinical testing. Allele origin: germline. Not counted in ClinVar's aggregate classification.

Natera, Inc.
Classification: Pathogenic for Phenylketonuria. Last evaluated: 2020-09-11. Review status: no assertion criteria provided. Collection method: clinical testing. Allele origin: germline. Not counted in ClinVar's aggregate classification.

Counsyl
Classification: Pathogenic for Phenylketonuria. Last evaluated: 2019-06-10. Review status: no assertion criteria provided. Collection method: clinical testing. Allele origin: unknown. Not counted in ClinVar's aggregate classification.

DeBelle Laboratory for Biochemical Genetics, MUHC/MCH RESEARCH INSTITUTE
No classification provided. Review status: no classification provided. Collection method: not provided. Allele origin: not provided. Not counted in ClinVar's aggregate classification.

Literature cited by the submitters: PubMed 30050108 (cited by ClinGen PAH Variant Curation Expert Panel); PubMed 10408782 (cited by 3 submitters); PubMed 1301187 (cited by Labcorp Genetics (formerly Invitae), Labcorp); PubMed 9634518 (cited by Labcorp Genetics (formerly Invitae), Labcorp); PubMed 16256386 (cited by 3 submitters); PubMed 23932990 (cited by Labcorp Genetics (formerly Invitae), Labcorp and Quest Diagnostics Nichols Institute San Juan Capistrano); PubMed 25087612 (cited by Labcorp Genetics (formerly Invitae), Labcorp and Quest Diagnostics Nichols Institute San Juan Capistrano); PubMed 26600521 (cited by Labcorp Genetics (formerly Invitae), Labcorp and Quest Diagnostics Nichols Institute San Juan Capistrano); PubMed 27264808 (cited by Labcorp Genetics (formerly Invitae), Labcorp and Quest Diagnostics Nichols Institute San Juan Capistrano); PubMed 29390883 (cited by Labcorp Genetics (formerly Invitae), Labcorp); PubMed 24510552 (cited by Quest Diagnostics Nichols Institute San Juan Capistrano); PubMed 25550961 (cited by Quest Diagnostics Nichols Institute San Juan Capistrano); PubMed 26503515 (cited by Counsyl); PubMed 28982351 (cited by Counsyl).